The following is an entry in ClinVar:

ClinVar aggregate classification (germline): Benign/Likely benign. Review status: criteria provided, multiple submitters, no conflicts (2 of 4 stars). 12 submissions from 9 submitters: Benign (4); Likely benign (5). 3 of the submissions do not count toward it. Last evaluated 2026-02-01.

Conditions:
FGFR1-related disorder. Also called: FGFR1-related condition; FGFR1-related disorders. Identifiers: MedGen CN380097.
Hypogonadotropic hypogonadism 2 with or without anosmia (HH2). Also called: HYPOGONADOTROPIC HYPOGONADISM 2 WITHOUT ANOSMIA; FGFR1-Related GnRH Deficiency (Kallmann Syndrome 2); HYPOGONADOTROPIC HYPOGONADISM 2 WITH OR WITHOUT ANOSMIA, SUSCEPTIBILITY TO; HYPOGONADOTROPIC HYPOGONADISM 2 WITHOUT ANOSMIA, SUSCEPTIBILITY TO. Identifiers: Orphanet 478, MedGen C1563720, MONDO:0007844, OMIM 147950. Disease mechanism: loss of function.
Pfeiffer syndrome (ACS5). Also called: ACS V. Identifiers: Orphanet 710, MedGen C0220658, MONDO:0007043, OMIM 101600.
Craniosynostosis syndrome. Also called: Craniosynostosis. Identifiers: Orphanet 1531, MedGen C0010278, MeSH D003398, MONDO:0015469, HP:0001363.
Trigonocephaly 1 (TRIGNO1). Identifiers: Orphanet 3366, MedGen C0432122, MONDO:0008603, OMIM 190440.
Osteoglophonic dysplasia (OGD). Also called: Osteoglophonic dwarfism. Identifiers: Orphanet 2645, MedGen C0432283, MONDO:0008150, OMIM 166250.

Allele frequency attached by ClinVar (database versions not stated): ESP Exome Variant Server 0.00008; gnomAD 0.00043 and 0.00062; TOPMed 0.00089; gnomAD exomes 0.00139; ExAC 0.00253; 1000 Genomes Project 30x 0.00328; 1000 Genomes Project 0.00399.
gnomAD v4.1: 976 of 1,577,186 alleles (0.062%); highest among the groups gnomAD compares: East Asian, 1.9%; 13 homozygotes.

Submissions (12):

Labcorp Genetics (formerly Invitae), Labcorp
Classification: Benign for Pfeiffer syndrome; Hypogonadotropic hypogonadism 2 with or without anosmia. Last evaluated: 2026-02-01. Review status: criteria provided, single submitter. Criteria: Invitae Variant Classification Sherloc (09022015). Collection method: clinical testing. Allele origin: germline.

Blueprint Genetics
Classification: Benign. Last evaluated: 2024-10-03. Review status: criteria provided, single submitter. Criteria: ACMG Guidelines, 2015. Collection method: clinical testing. Allele origin: germline.

ARUP Laboratories, Molecular Genetics and Genomics, ARUP Laboratories
Classification: Likely benign. Last evaluated: 2024-01-16. Review status: criteria provided, single submitter. Criteria: ARUP Molecular Germline Variant Investigation Process 2024. Collection method: clinical testing. Allele origin: germline.

Illumina Laboratory Services, Illumina
Classification: Likely benign for Trigonocephaly 1. Last evaluated: 2017-04-27. Review status: criteria provided, single submitter. Criteria: ICSL Variant Classification Criteria 13 December 2019. Collection method: clinical testing. Allele origin: germline.
Comment: This variant was observed as part of a predisposition screen in an ostensibly healthy population. A literature search was performed for the gene, cDNA change, and amino acid change (where applicable). Publications were found based on this search. The evidence from the literature, in combination with allele frequency data from public databases where available, was sufficient to determine this variant is unlikely to cause disease. Therefore, this variant is classified as likely benign.

Illumina Laboratory Services, Illumina
Classification: Likely benign for Hypogonadotropic hypogonadism 2 with or without anosmia. Last evaluated: 2017-04-27. Review status: criteria provided, single submitter. Criteria: ICSL Variant Classification Criteria 13 December 2019. Collection method: clinical testing. Allele origin: germline.
Comment: the same text as in the submission from Illumina Laboratory Services, Illumina above.

Illumina Laboratory Services, Illumina
Classification: Likely benign for Osteoglophonic dysplasia. Last evaluated: 2017-04-27. Review status: criteria provided, single submitter. Criteria: ICSL Variant Classification Criteria 13 December 2019. Collection method: clinical testing. Allele origin: germline.
Comment: the same text as in the submission from Illumina Laboratory Services, Illumina above.

Illumina Laboratory Services, Illumina
Classification: Likely benign for Craniosynostosis. Last evaluated: 2017-04-27. Review status: criteria provided, single submitter. Criteria: ICSL Variant Classification Criteria 13 December 2019. Collection method: clinical testing. Allele origin: germline.
Comment: the same text as in the submission from Illumina Laboratory Services, Illumina above.

GeneDx
Classification: Benign. Last evaluated: 2016-05-09. Review status: criteria provided, single submitter. Criteria: GeneDx Variant Classification (06012015). Collection method: clinical testing. Allele origin: germline. Affected: yes.
Comment: This variant is considered likely benign or benign based on one or more of the following criteria: it is a conservative change, it occurs at a poorly conserved position in the protein, it is predicted to be benign by multiple in silico algorithms, and/or has population frequency not consistent with disease.

Eurofins Ntd Llc (ga)
Classification: Benign. Last evaluated: 2015-01-26. Review status: criteria provided, single submitter. Criteria: EGL Classification Definitions 2015. Collection method: clinical testing. Allele origin: germline. Observed: 2 variant alleles, 1 heterozygote, 1 homozygote.

PreventionGenetics, part of Exact Sciences
Classification: Benign for FGFR1-related condition. Last evaluated: 2019-02-18. Review status: no assertion criteria provided. Collection method: clinical testing. Allele origin: germline. Not counted in ClinVar's aggregate classification.
Comment: This variant is classified as benign based on ACMG/AMP sequence variant interpretation guidelines (Richards et al. 2015 PMID: 25741868, with internal and published modifications).

Clinical Genetics, Academic Medical Center
Classification: Benign. Review status: no assertion criteria provided. Collection method: clinical testing. Allele origin: germline. Affected: yes. Study: VKGL Data-share Consensus. Not counted in ClinVar's aggregate classification.

Laboratory of Diagnostic Genome Analysis, Leiden University Medical Center (LUMC)
Classification: Likely benign. Review status: no assertion criteria provided. Collection method: clinical testing. Allele origin: germline. Affected: yes. Study: VKGL Data-share Consensus. Not counted in ClinVar's aggregate classification.

Literature cited by the submitters: PubMed 20696889 (cited by Illumina Laboratory Services, Illumina); PubMed 25064402 (cited by Illumina Laboratory Services, Illumina); PubMed 25759380 (cited by Illumina Laboratory Services, Illumina); PubMed 23329143 (cited by Illumina Laboratory Services, Illumina); PubMed 23657145 (cited by Illumina Laboratory Services, Illumina); PubMed 25383892 (cited by Illumina Laboratory Services, Illumina).

NM_023110.3(FGFR1):c.320C>T (p.Ser107Leu)

Gene: FGFR1 (fibroblast growth factor receptor 1; minus strand). Cytogenetic location: 8p11.23.
Variant type: single nucleotide variant.
Coding change: c.320C>T on transcript NM_023110.3 (MANE Select); coding-DNA position 320, C replaced by T.
Protein change: p.Ser107Leu; replaces serine 107 with leucine.
Molecular consequence: missense variant. On other transcripts: intron variant (5).
Genome position (GRCh38, 1-based): chr8:38,429,720, G>A on the plus strand (C>T on the coding strand, the complement: FGFR1 is on the minus strand). VCF-style: chr8-38429720-G-A. GRCh37 (hg19) VCF-style: chr8-38287238-G-A.
Other names: c.320C>T, p.Ser107Leu (NM_001174063.2, NM_001174065.2, NM_001354367.2 and 2 more transcripts); c.296C>T, p.Ser99Leu (NM_001174064.2); c.419C>T, p.Ser140Leu (NM_001174067.2); c.92-1285C>T (NM_001354368.2, NM_001354370.2, NM_023106.3 and 2 more transcripts); short protein forms S107L, S140L, S99L.
Identifiers: ClinVar variation 196511 (VCV000196511.32), dbSNP rs140382957, ClinGen allele CA202417.
Genomic context (GRCh38, chr8:38,429,720, plus strand): 5'-AGGGCAGGGCTTGGCTACCAACCTGAAACATTGACGGAGAAGTAGGTGGTGTCACTGCCC[G>A]AGGGGCTGCTGGTTACGCAAGCATAGAGGCCGGAGTCTGCGGGCACGGAGTCCTGCACCT-3'
Protein context (NP_075598.2, residues 97-117): GLYACVTSSP[Ser107Leu]GSDTTYFSVN